The following is an entry in ClinVar:

ClinVar aggregate classification (germline): Uncertain significance (1 of 4 stars; one submission).

Conditions:
LAMA2-related muscular dystrophy (LAMA2-RD). Also called: Laminin alpha 2-related dystrophy. Identifiers: MedGen C5679788, MONDO:0100228.

Submission:

Labcorp Genetics (formerly Invitae), Labcorp
Classification: Uncertain significance for LAMA2-related muscular dystrophy. Last evaluated: 2023-10-28. Review status: criteria provided, single submitter. Criteria: Invitae Variant Classification Sherloc (09022015). Collection method: clinical testing. Allele origin: germline.
Comment: This sequence change replaces proline, which is neutral and non-polar, with alanine, which is neutral and non-polar, at codon 2615 of the LAMA2 protein (p.Pro2615Ala). This variant is not present in population databases (gnomAD no frequency). This variant has not been reported in the literature in individuals affected with LAMA2-related conditions. Advanced modeling of protein sequence and biophysical properties (such as structural, functional, and spatial information, amino acid conservation, physicochemical variation, residue mobility, and thermodynamic stability) performed at Invitae indicates that this missense variant is not expected to disrupt LAMA2 protein function with a negative predictive value of 95%. In summary, the available evidence is currently insufficient to determine the role of this variant in disease. Therefore, it has been classified as a Variant of Uncertain Significance.

NM_000426.4(LAMA2):c.7843C>G (p.Pro2615Ala)

Gene: LAMA2 (laminin subunit alpha 2; plus strand). Cytogenetic location: 6q22.33.
Variant type: single nucleotide variant.
Coding change: c.7843C>G on transcript NM_000426.4 (MANE Select); coding-DNA position 7843, C replaced by G.
Protein change: p.Pro2615Ala; replaces proline 2615 with alanine.
Molecular consequence: missense variant.
Genome position (GRCh38, 1-based): chr6:129,486,567, C>G. VCF-style: chr6-129486567-C-G. GRCh37 (hg19) VCF-style: chr6-129807712-C-G.
Other names: c.7831C>G, p.Pro2611Ala (NM_001079823.2); short protein forms P2611A, P2615A.
Identifiers: ClinVar variation 2797340 (VCV002797340.3), dbSNP rs2533490829, ClinGen allele CA365629298.
Genomic context (GRCh38, chr6:129,486,567, plus strand): 5'-CTGGAAGTGCATCTCTCCACAGGGGCACGAACAATGAGGAAAATTGTGATCAGACCAGAG[C>G]CGAATCTGTTTCATGATGGAAGAGAACATTCCGTTCATGTAGAGCGAACTAGAGGGTAAC-3'
Protein context (NP_000417.3, residues 2605-2625): TMRKIVIRPE[Pro2615Ala]NLFHDGREHS